The following is an entry in ClinVar:

NM_000093.5(COL5A1):c.2701-186T>C

Gene: COL5A1 (collagen type V alpha 1 chain; plus strand). Cytogenetic location: 9q34.3.
Variant type: single nucleotide variant.
Coding change: c.2701-186T>C on transcript NM_000093.5 (MANE Select); 186 bases into the intron before coding-DNA position 2701, T replaced by C.
Molecular consequence: intron variant.
Genome position (GRCh38, 1-based): chr9:134,794,896, T>C. VCF-style: chr9-134794896-T-C. GRCh37 (hg19) VCF-style: chr9-137686742-T-C.
Other names: c.2701-186T>C (NM_001278074.1).
Identifiers: ClinVar variation 676068 (VCV000676068.1), dbSNP rs114433844, ClinGen allele CA201108544.

ClinVar aggregate classification (germline): Benign (1 of 4 stars; one submission).

Allele frequency attached by ClinVar (database versions not stated): gnomAD 0.01643 and 0.01740; TOPMed 0.01833; 1000 Genomes Project 0.01877; 1000 Genomes Project 30x 0.02061.
gnomAD v4.1: 2,468 of 152,178 alleles (1.6%); highest among the groups gnomAD compares: African/African-American, 5.6%; 54 homozygotes.

Submission:

GeneDx
Classification: Benign. Last evaluated: 2018-06-14. Review status: criteria provided, single submitter. Criteria: GeneDx Variant Classification (06012015). Collection method: clinical testing. Allele origin: germline. Affected: yes.
Comment: This variant is considered likely benign or benign based on one or more of the following criteria: it is a conservative change, it occurs at a poorly conserved position in the protein, it is predicted to be benign by multiple in silico algorithms, and/or has population frequency not consistent with disease.